The following is an entry in ClinVar:

ClinVar aggregate classification (germline): Conflicting classifications of pathogenicity. Review status: criteria provided, conflicting classifications (1 of 4 stars). 8 submissions from 8 submitters: Uncertain significance (3); Likely benign (5). Last evaluated 2025-12-31.

Conditions:
Glycogen storage disease, type II (IOPD). Also called: CARDIOMEGALIA GLYCOGENICA DIFFUSA; Glycogen storage disease type 2; Acid maltase deficiency disease; Aglucosidase alfa; Deficiency of alpha-glucosidase; Deficiency of lysosomal alpha-glucosidase. Identifiers: Orphanet 365, MedGen C0017921, MONDO:0009290, OMIM 232300.
Cardiovascular phenotype. Identifiers: MedGen CN230736.

Allele frequency attached by ClinVar (database versions not stated): gnomAD 0.00001 and 0.00002; gnomAD exomes 0.00002; TOPMed 0.00002; ExAC 0.00003; ESP Exome Variant Server 0.00008.
gnomAD v4.1: 24 of 1,612,148 alleles (0.0015%); highest among the groups gnomAD compares: African/African-American, 0.0053%; no homozygotes.

Submissions (8):

Labcorp Genetics (formerly Invitae), Labcorp
Classification: Likely benign for Glycogen storage disease, type II. Last evaluated: 2025-12-31. Review status: criteria provided, single submitter. Criteria: Invitae Variant Classification Sherloc (09022015). Collection method: clinical testing. Allele origin: germline.

Mayo Clinic Laboratories, Mayo Clinic
Classification: Likely benign. Last evaluated: 2025-12-06. Review status: criteria provided, single submitter. Criteria: ACMG Guidelines, 2015. Collection method: clinical testing. Allele origin: germline. Observed: 1 variant allele.
Comment: BP4, BP7

Genome-Nilou Lab
Classification: Uncertain significance for Glycogen storage disease, type II. Last evaluated: 2021-07-22. Review status: criteria provided, single submitter. Criteria: ACMG Guidelines, 2015. Collection method: clinical testing. Allele origin: germline. Affected: no.

Blueprint Genetics
Classification: Uncertain significance. Last evaluated: 2020-09-10. Review status: criteria provided, single submitter. Criteria: ACMG Guidelines, 2015. Collection method: clinical testing. Allele origin: germline.

Broad Center for Mendelian Genomics, Broad Institute of MIT and Harvard
Classification: Likely benign for Glycogen storage disease, type II. Last evaluated: 2020-01-22. Review status: criteria provided, single submitter. Criteria: ACMG Guidelines, 2015. Collection method: curation. Allele origin: germline. Inheritance: Autosomal recessive inheritance.
Comment: The c.1842G>A (p.Thr614=) variant in GAA has not been previously reported in individuals with Glycogen Storage Disease II but has been reported as a VUS by EGL Genetic Diagnostics and Invitae and a likely benign variant by GeneDx in ClinVar (Variation ID: 289635). This variant has been identified in 0.013% (3/23922) of African chromosomes by the Genome Aggregation Database (gnomAD; dbSNP rs373955374). Although this variant has been seen in the general population, its frequency is low enough to be consistent with a recessive carrier frequency. Computational prediction tools and conservation analyses suggest that this variant may not impact the protein, though this information is not predictive enough to rule out pathogenicity. However, novel synonymous variants supported by computational evidence without raised suspicion for an impact are likely benign (Richards 2015). In summary, although additional studies are required to fully establish its clinical significance, this variant is likely benign. ACMG/AMP Criteria applied: PM2, BP4, BP7 (Richards 2015).

Ambry Genetics
Classification: Likely benign for Cardiovascular phenotype. Last evaluated: 2019-08-06. Review status: criteria provided, single submitter. Criteria: Ambry Variant Classification Scheme 2023. Collection method: clinical testing. Allele origin: germline.

GeneDx
Classification: Likely benign. Last evaluated: 2018-10-03. Review status: criteria provided, single submitter. Criteria: GeneDx Variant Classification Process June 2021. Collection method: clinical testing. Allele origin: germline. Affected: yes.

Eurofins Ntd Llc (ga)
Classification: Uncertain significance. Last evaluated: 2016-08-01. Review status: criteria provided, single submitter. Criteria: EGL Classification Definitions 2015. Collection method: clinical testing. Allele origin: germline. Observed: 1 variant allele, 1 heterozygote.

NM_000152.5(GAA):c.1842G>A (p.Thr614=)

Gene: GAA (alpha glucosidase; plus strand). Cytogenetic location: 17q25.3.
Variant type: single nucleotide variant.
Coding change: c.1842G>A on transcript NM_000152.5 (MANE Select); coding-DNA position 1842, G replaced by A.
Protein change: p.Thr614=; no amino-acid change (threonine 614 retained).
Molecular consequence: synonymous variant.
Genome position (GRCh38, 1-based): chr17:80,112,665, G>A. VCF-style: chr17-80112665-G-A. GRCh37 (hg19) VCF-style: chr17-78086464-G-A.
Other names: c.1842G>A (LRG_673t1); c.1842G>A, p.Thr614= (NM_001079803.3, NM_001079804.3).
Identifiers: ClinVar variation 289635 (VCV000289635.22), dbSNP rs373955374, ClinGen allele CA8815497.
Genomic context (GRCh38, chr17:80,112,665, plus strand): 5'-CCCATTTGTGATCTCCCGCTCGACCTTTGCTGGCCACGGCCGATACGCCGGCCACTGGAC[G>A]GGGGACGTGTGGAGCTCCTGGGAGCAGCTCGCCTCCTCCGTGCCAGGTGAGCTCCTACCA-3'
Protein context (NP_000143.2, residues 604-624): AGHGRYAGHW[Thr614=]GDVWSSWEQL